The following is an entry in ClinVar:

NM_212482.4(FN1):c.5653G>A (p.Ala1885Thr)

Gene: FN1 (fibronectin 1; minus strand). Cytogenetic location: 2q35.
Variant type: single nucleotide variant.
Coding change: c.5653G>A on transcript NM_212482.4 (MANE Select); coding-DNA position 5653, G replaced by A.
Protein change: p.Ala1885Thr; replaces alanine 1885 with threonine.
Molecular consequence: missense variant.
Genome position (GRCh38, 1-based): chr2:215,378,232, C>T on the plus strand (G>A on the coding strand, the complement: FN1 is on the minus strand). VCF-style: chr2-215378232-C-T. GRCh37 (hg19) VCF-style: chr2-216242955-C-T.
Other names: c.5653G>A, p.Ala1885Thr (NM_001306129.2); c.5383G>A, p.Ala1795Thr (NM_001306130.2, NM_001365517.2, NM_001365519.2 and 2 more transcripts); c.5110G>A, p.Ala1704Thr (NM_001306131.2, NM_001306132.2, NM_001365523.2 and 2 more transcripts); c.5380G>A, p.Ala1794Thr (NM_001365518.2, NM_001365520.2, NM_001365524.2 and 2 more transcripts); short protein forms A1704T, A1795T, A1885T, A1794T.
Identifiers: ClinVar variation 4025932 (VCV004025932.1).

ClinVar aggregate classification (germline): Uncertain significance (1 of 4 stars; one submission).

Conditions:
Inborn genetic diseases. Identifiers: MedGen C0950123, MeSH D030342.

Submission:

Ambry Genetics
Classification: Uncertain significance for Inborn genetic diseases. Last evaluated: 2025-05-09. Review status: criteria provided, single submitter. Criteria: Ambry Variant Classification Scheme 2023. Collection method: clinical testing. Allele origin: germline.
Comment: The c.5653G>A (p.A1885T) alteration is located in exon 35 (coding exon 35) of the FN1 gene. This alteration results from a G to A substitution at nucleotide position 5653, causing the alanine (A) at amino acid position 1885 to be replaced by a threonine (T). This variant was not reported in population-based cohorts in the Genome Aggregation Database (gnomAD). This amino acid position is highly conserved in available vertebrate species. This alteration is predicted to be deleterious by in silico analysis. Based on insufficient or conflicting evidence, the clinical significance of this alteration remains unclear.